The following is an entry in ClinVar:

ClinVar aggregate classification (germline): Uncertain significance (1 of 4 stars; one submission).

Conditions:
Emery-Dreifuss muscular dystrophy (EDMD). Also called: Scapuloperoneal syndrome, X-linked (formerly); Humeroperoneal neuromuscular disease, (formerly). Identifiers: Orphanet 261, MedGen C0410189, MONDO:0016830.

Allele frequency attached by ClinVar (database versions not stated): ExAC 0.00014; gnomAD exomes 0.00015 and 0.00037; gnomAD 0.00019; TOPMed 0.00023; ESP Exome Variant Server 0.00049.
gnomAD v4.1: 590 of 1,607,374 alleles (0.037%); highest among the groups gnomAD compares: Non-Finnish European, 0.046%; no homozygotes.

Submission:

Labcorp Genetics (formerly Invitae), Labcorp
Classification: Uncertain significance for Emery-Dreifuss muscular dystrophy. Last evaluated: 2026-01-08. Review status: criteria provided, single submitter. Criteria: Invitae Variant Classification Sherloc (09022015). Collection method: clinical testing. Allele origin: germline.
Comment: This sequence change replaces isoleucine, which is neutral and non-polar, with valine, which is neutral and non-polar, at codon 166 of the SUN1 protein (p.Ile166Val). This variant is present in population databases (rs201949393, gnomAD 0.03%). This variant has not been reported in the literature in individuals affected with SUN1-related conditions. ClinVar contains an entry for this variant (Variation ID: 461661). An algorithm developed to predict the effect of missense changes on protein structure and function outputs the following: PolyPhen-2: "Benign". The valine amino acid residue is found in multiple mammalian species, which suggests that this missense change does not adversely affect protein function. In summary, the available evidence is currently insufficient to determine the role of this variant in disease. Therefore, it has been classified as a Variant of Uncertain Significance.

NM_001130965.3(SUN1):c.496A>G (p.Ile166Val)

Gene: SUN1 (Sad1 and UNC84 domain containing 1; plus strand). Cytogenetic location: 7p22.3.
Variant type: single nucleotide variant.
Coding change: c.496A>G on transcript NM_001130965.3 (MANE Select); coding-DNA position 496, A replaced by G.
Protein change: p.Ile166Val; replaces isoleucine 166 with valine.
Molecular consequence: missense variant. On other transcripts: synonymous variant (1), 5 prime UTR variant (3), non-coding transcript variant (3), intron variant (1).
Genome position (GRCh38, 1-based): chr7:843,358, A>G. VCF-style: chr7-843358-A-G. GRCh37 (hg19) VCF-style: chr7-882995-A-G.
Other names: c.559A>G, p.Ile187Val (NM_001171945.2); c.496A>G, p.Ile166Val (NM_001171946.2, NM_001367633.1, NM_001367634.1 and 32 more transcripts); c.39A>G, p.Pro13= (NM_001367635.1); c.346A>G, p.Ile116Val (NM_001367636.1, NM_001367644.1, NM_001367645.1 and 23 more transcripts); c.-72A>G (NM_001367639.1, NM_001367708.1); c.715A>G, p.Ile239Val (NM_001367651.1); c.-266A>G (NM_001367658.1); c.523A>G, p.Ile175Val (NM_001367669.1); and 2 more; short protein forms I166V, I116V, I103V, I239V, I175V, I187V.
Identifiers: ClinVar variation 461661 (VCV000461661.13), dbSNP rs201949393, ClinGen allele CA4111570.